The following is an entry in ClinVar:

ClinVar aggregate classification (germline): Uncertain significance. Review status: criteria provided, multiple submitters, no conflicts (2 of 4 stars). 2 submissions from 2 submitters: Uncertain significance (2). Last evaluated 2026-07-06.

Conditions:
Hereditary cancer-predisposing syndrome. Also called: Tumor predisposition; Hereditary Cancer Syndrome; Hereditary neoplastic syndrome; Neoplastic Syndromes, Hereditary. Identifiers: Orphanet 140162, MedGen C0027672, MeSH D009386, MONDO:0015356.

Submissions (2):

Ambry Genetics
Classification: Uncertain significance for Hereditary cancer-predisposing syndrome. Last evaluated: 2026-07-06. Review status: criteria provided, single submitter. Criteria: Ambry Variant Classification Scheme 2023. Collection method: clinical testing. Allele origin: germline.
Comment: The p.P164S variant (also known as c.490C>T), located in coding exon 1 of the MET gene, results from a C to T substitution at nucleotide position 490. The proline at codon 164 is replaced by serine, an amino acid with similar properties. This amino acid position is conserved. In addition, this alteration is predicted to be tolerated by in silico analysis. Based on the available evidence, the clinical significance of this variant remains unclear.

GeneDx
Classification: Uncertain significance. Last evaluated: 2023-11-19. Review status: criteria provided, single submitter. Criteria: GeneDx Variant Classification Process June 2021. Collection method: clinical testing. Allele origin: germline. Affected: yes.
Comment: Not observed at significant frequency in large population cohorts (gnomAD); In silico analysis supports that this missense variant does not alter protein structure/function; Has not been previously published as pathogenic or benign to our knowledge

NM_000245.4(MET):c.490C>T (p.Pro164Ser)

Gene: MET (MET proto-oncogene, receptor tyrosine kinase; plus strand). Cytogenetic location: 7q31.2.
Variant type: single nucleotide variant.
Coding change: c.490C>T on transcript NM_000245.4 (MANE Select); coding-DNA position 490, C replaced by T.
Protein change: p.Pro164Ser; replaces proline 164 with serine.
Molecular consequence: missense variant. On other transcripts: intron variant (1).
Genome position (GRCh38, 1-based): chr7:116,699,574, C>T. VCF-style: chr7-116699574-C-T. GRCh37 (hg19) VCF-style: chr7-116339628-C-T.
Other names: c.490C>T, p.Pro164Ser (NM_001127500.3, NM_001324401.3); c.-91+26997C>T (NM_001324402.2); c.490C>T (NM_000245.2); short protein forms P164S.
Identifiers: ClinVar variation 3364678 (VCV003364678.2).